The following is an entry in ClinVar:

ClinVar aggregate classification (germline): Uncertain significance (1 of 4 stars; one submission).

Submission:

CeGaT Center for Human Genetics Tuebingen
Classification: Uncertain significance. Last evaluated: 2024-12-01. Review status: criteria provided, single submitter. Criteria: CeGaT Center For Human Genetics Tuebingen Variant Classification Criteria Version 2. Collection method: clinical testing. Allele origin: germline. Affected: yes. Observed: 1 variant allele.
Comment: FARSA: PM2, BP4

NM_004461.3(FARSA):c.88C>T (p.Leu30=)

Genes: FARSA (phenylalanyl-tRNA synthetase subunit alpha; minus strand), LOC112543454 (Sharpr-MPRA regulatory region 7930; plus strand). Cytogenetic location: 19p13.13.
Variant type: single nucleotide variant.
Coding change: c.88C>T on transcript NM_004461.3 (MANE Select); coding-DNA position 88, C replaced by T.
Protein change: p.Leu30=; no amino-acid change (leucine 30 retained).
Molecular consequence: synonymous variant.
Genome position (GRCh38, 1-based): chr19:12,933,609, G>A on the plus strand (C>T on the coding strand, the complement: FARSA is on the minus strand). VCF-style: chr19-12933609-G-A. GRCh37 (hg19) VCF-style: chr19-13044423-G-A.
Identifiers: ClinVar variation 3772073 (VCV003772073.13).
Genomic context (GRCh38, chr19:12,933,609, plus strand): 5'-CCTCGCCCAGCGCCTGAAGGCTCTTCACGGCGCCCACCACCGCCTGGTGCTCCATGCCCA[G>A]CTCAGCCGCCAACTCGGCGCTGTCCAGGCCGCCATCAGACGCCTCCAGCCGCCGGAGCAG-3'
Protein context (NP_004452.1, residues 20-40): GLDSAELAAE[Leu30=]GMEHQAVVGA